The following is an entry in ClinVar:

ClinVar aggregate classification (germline): Likely benign (1 of 4 stars; one submission).

Conditions:
Loeys-Dietz syndrome 4 (LDS4). Also called: ANEURYSM, AORTIC AND CEREBRAL, WITH ARTERIAL TORTUOSITY AND SKELETAL MANIFESTATIONS; TGFB2-Related Loeys-Dietz Syndrome. Identifiers: MedGen C3553762, MONDO:0013897, OMIM 614816.

Allele frequency attached by ClinVar (database versions not stated): TOPMed 0.00346; gnomAD 0.00586 and 0.00655; 1000 Genomes Project 30x 0.00656; 1000 Genomes Project 0.00819.

Submission:

Illumina Laboratory Services, Illumina
Classification: Likely benign for Loeys-Dietz syndrome 4. Last evaluated: 2017-04-27. Review status: criteria provided, single submitter. Criteria: ICSL Variant Classification Criteria 13 December 2019. Collection method: clinical testing. Allele origin: germline.
Comment: This variant was observed as part of a predisposition screen in an ostensibly healthy population. A literature search was performed for the gene, cDNA change, and amino acid change (where applicable). No publications were found based on this search. Allele frequency data from public databases allowed determination this variant is unlikely to cause disease. Therefore, this variant is classified as likely benign.

NM_003238.6(TGFB2):c.*1273T>C

Genes: TGFB2-OT1 (TGFB2 overlapping transcript 1; plus strand), TGFB2 (transforming growth factor beta 2; plus strand). Cytogenetic location: 1q41.
Variant type: single nucleotide variant.
Coding change: c.*1273T>C on transcript NM_003238.6 (MANE Select); 1273 bases downstream of the stop codon, T replaced by C.
Molecular consequence: 3 prime UTR variant. On other transcripts: non-coding transcript variant (3).
Genome position (GRCh38, 1-based): chr1:218,442,635, T>C. VCF-style: chr1-218442635-T-C. GRCh37 (hg19) VCF-style: chr1-218615977-T-C.
Other names: c.*1273T>C (NM_001135599.4).
Identifiers: ClinVar variation 295513 (VCV000295513.5), dbSNP rs143593418, ClinGen allele CA10609224.